The following is an entry in ClinVar:

ClinVar aggregate classification (germline): Uncertain significance (1 of 4 stars; one submission).

Submission:

Labcorp Genetics (formerly Invitae), Labcorp
Classification: Uncertain significance. Last evaluated: 2022-06-19. Review status: criteria provided, single submitter. Criteria: Invitae Variant Classification Sherloc (09022015). Collection method: clinical testing. Allele origin: germline.
Comment: A copy number gain of the genomic region encompassing the full coding sequence of the JAM3 gene has been identified. The boundaries of this event are unknown as they extend beyond the assayed region for this gene and therefore may encompass additional genes. As the precise location of this event is unknown, it may be in tandem or it may be located elsewhere in the genome. This variant has not been reported in the literature in individuals affected with JAM3-related conditions. In summary, the available evidence is currently insufficient to determine the role of this variant in disease. Therefore, it has been classified as a Variant of Uncertain Significance.

NC_000011.9:g.(?_133778964)_(134134854_?)dup

Genes: ACAD8 (acyl-CoA dehydrogenase family member 8; plus strand), IGSF9B (immunoglobulin superfamily member 9B; minus strand), JAM3 (junctional adhesion molecule 3; plus strand), NCAPD3 (non-SMC condensin II complex subunit D3; minus strand), THYN1 (thymocyte nuclear protein 1; minus strand) and 1 more. Cytogenetic location: 11q25.
Variant type: Duplication.
Identifiers: ClinVar variation 2427065 (VCV002427065.3).